The following is an entry in ClinVar:

ClinVar aggregate classification (germline): Uncertain significance (1 of 4 stars; one submission).

Conditions:
Ataxia-telangiectasia syndrome (AT). Also called: Ataxia telangiectasia (A-T); ATAXIA-TELANGIECTASIA, COMPLEMENTATION GROUP A; ATAXIA-TELANGIECTASIA, FRESNO VARIANT; Ataxia-telangiectasia; Ataxia-telangiectasia, complementation group E; LOUIS-BAR SYNDROME. Identifiers: Orphanet 100, MedGen C0004135, MONDO:0008840, OMIM 208900.

Submission:

Labcorp Genetics (formerly Invitae), Labcorp
Classification: Uncertain significance for Ataxia-telangiectasia syndrome. Last evaluated: 2020-02-24. Review status: criteria provided, single submitter. Criteria: Invitae Variant Classification Sherloc (09022015). Collection method: clinical testing. Allele origin: germline.
Comment: In summary, the available evidence is currently insufficient to determine the role of this variant in disease. Therefore, it has been classified as a Variant of Uncertain Significance. Algorithms developed to predict the effect of missense changes on protein structure and function (SIFT, PolyPhen-2, Align-GVGD) all suggest that this variant is likely to be tolerated, but these predictions have not been confirmed by published functional studies and their clinical significance is uncertain. This variant has not been reported in the literature in individuals with ATM-related conditions. This variant is not present in population databases (ExAC no frequency). This sequence change replaces threonine with isoleucine at codon 1985 of the ATM protein (p.Thr1985Ile). The threonine residue is weakly conserved and there is a moderate physicochemical difference between threonine and isoleucine.

NM_000051.4(ATM):c.5954C>T (p.Thr1985Ile)

Genes: ATM (ATM serine/threonine kinase; plus strand), C11orf65 (chromosome 11 open reading frame 65; minus strand). Cytogenetic location: 11q22.3.
Variant type: single nucleotide variant.
Coding change: c.5954C>T on transcript NM_000051.4 (MANE Select); coding-DNA position 5954, C replaced by T.
Protein change: p.Thr1985Ile; replaces threonine 1985 with isoleucine.
Molecular consequence: missense variant. On other transcripts: intron variant (2).
Genome position (GRCh38, 1-based): chr11:108,312,446, C>T. VCF-style: chr11-108312446-C-T. GRCh37 (hg19) VCF-style: chr11-108183173-C-T.
Other names: c.5954C>T, p.Thr1985Ile (NM_001351834.2); c.641-3375G>A (NM_001330368.2); c.*39-3375G>A (NM_001351110.2); short protein forms T1985I.
Identifiers: ClinVar variation 1039974 (VCV001039974.47), dbSNP rs1207215818, ClinGen allele CA382548701.